The following is an entry in ClinVar:

NM_001130144.3(LTBP3):c.1772T>C (p.Val591Ala)

Gene: LTBP3 (latent transforming growth factor beta binding protein 3; minus strand). Cytogenetic location: 11q13.1.
Variant type: single nucleotide variant.
Coding change: c.1772T>C on transcript NM_001130144.3 (MANE Select); coding-DNA position 1772, T replaced by C.
Protein change: p.Val591Ala; replaces valine 591 with alanine.
Molecular consequence: missense variant.
Genome position (GRCh38, 1-based): chr11:65,547,994, A>G on the plus strand (T>C on the coding strand, the complement: LTBP3 is on the minus strand). VCF-style: chr11-65547994-A-G. GRCh37 (hg19) VCF-style: chr11-65315465-A-G.
Other names: c.1772T>C, p.Val591Ala (NM_021070.4); c.1421T>C, p.Val474Ala (NM_001164266.1); short protein forms V591A, V474A.
Identifiers: ClinVar variation 2844263 (VCV002844263.3), dbSNP rs2496155598, ClinGen allele CA381272003.

ClinVar aggregate classification (germline): Uncertain significance (1 of 4 stars; one submission).

Conditions:
Brachyolmia-amelogenesis imperfecta syndrome. Also called: Tooth agenesis, selective, 6; Dental anomalies and short stature; PLATYSPONDYLY WITH AMELOGENESIS IMPERFECTA. Identifiers: Orphanet 2899, MedGen C1832594, MONDO:0011018, OMIM 601216. Disease mechanism: loss of function.

Submission:

Labcorp Genetics (formerly Invitae), Labcorp
Classification: Uncertain significance for Brachyolmia-amelogenesis imperfecta syndrome. Last evaluated: 2023-03-08. Review status: criteria provided, single submitter. Criteria: Invitae Variant Classification Sherloc (09022015). Collection method: clinical testing. Allele origin: germline.
Comment: In summary, the available evidence is currently insufficient to determine the role of this variant in disease. Therefore, it has been classified as a Variant of Uncertain Significance. An algorithm developed to predict the effect of missense changes on protein structure and function (PolyPhen-2) suggests that this variant is likely to be tolerated. This variant has not been reported in the literature in individuals affected with LTBP3-related conditions. This variant is not present in population databases (gnomAD no frequency). This sequence change replaces valine, which is neutral and non-polar, with alanine, which is neutral and non-polar, at codon 591 of the LTBP3 protein (p.Val591Ala).